The following is an entry in ClinVar:

NM_000377.3(WAS):c.809T>C (p.Leu270Pro)

Gene: WAS (WASP actin nucleation promoting factor; plus strand). Cytogenetic location: Xp11.23.
Variant type: single nucleotide variant.
Coding change: c.809T>C on transcript NM_000377.3 (MANE Select); coding-DNA position 809, T replaced by C.
Protein change: p.Leu270Pro; replaces leucine 270 with proline.
Molecular consequence: missense variant.
Genome position (GRCh38, 1-based): chrX:48,688,331, T>C. VCF-style: chrX-48688331-T-C. GRCh37 (hg19) VCF-style: chrX-48546720-T-C.
Other names: short protein forms L270P.
Identifiers: ClinVar variation 11125 (VCV000011125.8), dbSNP rs132630274, ClinGen allele CA280988.

ClinVar aggregate classification (germline): Pathogenic/Likely pathogenic. Review status: criteria provided, multiple submitters, no conflicts (2 of 4 stars). 3 submissions from 3 submitters: Pathogenic (1); Likely pathogenic (1). 1 of the submissions does not count toward it. Last evaluated 2021-09-29.

Conditions:
Thrombocytopenia 1. Also called: THROMBOCYTOPENIA, X-LINKED, 1; X-Linked Thrombocytopenia (XLT); X-linked thrombocytopenia with normal platelets. Identifiers: Orphanet 268322, Orphanet 852, MedGen C1839163, MONDO:0010743, OMIM 313900.
Wiskott-Aldrich syndrome (WAS). Also called: ALDRICH SYNDROME; IMMUNODEFICIENCY 2; WISKOTT-ALDRICH SYNDROME 1; Wiskott-aldrich syndrome, somatic. Identifiers: Orphanet 906, MedGen C0043194, MONDO:0010518, OMIM 301000.
X-linked severe congenital neutropenia (SCNX). Identifiers: Orphanet 86788, MedGen C1845987, MONDO:0010294, OMIM 300299.

Submissions (3):

Labcorp Genetics (formerly Invitae), Labcorp
Classification: Pathogenic for Wiskott-Aldrich syndrome; X-linked severe congenital neutropenia; Thrombocytopenia 1. Last evaluated: 2021-09-29. Review status: criteria provided, single submitter. Criteria: Invitae Variant Classification Sherloc (09022015). Collection method: clinical testing. Allele origin: germline.
Comment: This sequence change replaces leucine with proline at codon 270 of the WAS protein (p.Leu270Pro). The leucine residue is highly conserved and there is a moderate physicochemical difference between leucine and proline. For these reasons, this variant has been classified as Pathogenic. Experimental studies have shown that this missense change affects WAS function (PMID: 11242115, 20513746, 24402308, 29078804). Algorithms developed to predict the effect of missense changes on protein structure and function are either unavailable or do not agree on the potential impact of this missense change (SIFT: "Not Available"; PolyPhen-2: "Probably Damaging"; Align-GVGD: "Not Available"). ClinVar contains an entry for this variant (Variation ID: 11125). This missense change has been observed in individual(s) with WAS-related conditions (PMID: 11242115). It has also been observed to segregate with disease in related individuals. This variant is not present in population databases (ExAC no frequency).

Institute of Medical Genetics and Applied Genomics, University Hospital Tübingen
Classification: Likely pathogenic. Last evaluated: 2021-02-01. Review status: criteria provided, single submitter. Criteria: ACMG Guidelines, 2015. Collection method: clinical testing. Allele origin: germline. Inheritance: X-linked recessive inheritance. Affected: yes.

OMIM
Classification: Pathogenic for NEUTROPENIA, SEVERE CONGENITAL, X-LINKED. Last evaluated: 2001-03-01. Review status: no assertion criteria provided. Collection method: literature only. Allele origin: germline. Not counted in ClinVar's aggregate classification.

Literature cited by the submitters: PubMed 11242115 (cited by Labcorp Genetics (formerly Invitae), Labcorp and OMIM); PubMed 20513746 (cited by Labcorp Genetics (formerly Invitae), Labcorp); PubMed 24402308 (cited by Labcorp Genetics (formerly Invitae), Labcorp); PubMed 29078804 (cited by Labcorp Genetics (formerly Invitae), Labcorp).